The following is an entry in ClinVar:

NM_032901.4(COX14):c.14A>G (p.Lys5Arg)

Gene: COX14 (cytochrome c oxidase assembly factor COX14; plus strand). Cytogenetic location: 12q13.12.
Variant type: single nucleotide variant.
Coding change: c.14A>G on transcript NM_032901.4 (MANE Select); coding-DNA position 14, A replaced by G.
Protein change: p.Lys5Arg; replaces lysine 5 with arginine.
Molecular consequence: missense variant.
Genome position (GRCh38, 1-based): chr12:50,120,057, A>G. VCF-style: chr12-50120057-A-G. GRCh37 (hg19) VCF-style: chr12-50513840-A-G.
Other names: c.14A>G, p.Lys5Arg (NM_001257133.2, NM_001257134.2); short protein forms K5R.
Identifiers: ClinVar variation 3607598 (VCV003607598.2).

ClinVar aggregate classification (germline): Uncertain significance (1 of 4 stars; one submission).

gnomAD v4.1: 94 of 1,614,014 alleles (0.0058%); highest among the groups gnomAD compares: East Asian, 0.0089%; no homozygotes.

Submission:

Labcorp Genetics (formerly Invitae), Labcorp
Classification: Uncertain significance. Last evaluated: 2024-05-12. Review status: criteria provided, single submitter. Criteria: Invitae Variant Classification Sherloc (09022015). Collection method: clinical testing. Allele origin: germline.
Comment: This sequence change replaces lysine, which is basic and polar, with arginine, which is basic and polar, at codon 5 of the COX14 protein (p.Lys5Arg). This variant is present in population databases (rs745754642, gnomAD 0.01%). This variant has not been reported in the literature in individuals affected with COX14-related conditions. An algorithm developed to predict the effect of missense changes on protein structure and function (PolyPhen-2) suggests that this variant is likely to be disruptive. In summary, the available evidence is currently insufficient to determine the role of this variant in disease. Therefore, it has been classified as a Variant of Uncertain Significance.